The following is an entry in ClinVar:

NM_000214.3(JAG1):c.253C>T (p.Arg85Cys)

Gene: JAG1 (jagged canonical Notch ligand 1; minus strand). Cytogenetic location: 20p12.2.
Variant type: single nucleotide variant.
Coding change: c.253C>T on transcript NM_000214.3 (MANE Select); coding-DNA position 253, C replaced by T.
Protein change: p.Arg85Cys; replaces arginine 85 with cysteine.
Molecular consequence: missense variant.
Genome position (GRCh38, 1-based): chr20:10,672,835, G>A on the plus strand (C>T on the coding strand, the complement: JAG1 is on the minus strand). VCF-style: chr20-10672835-G-A. GRCh37 (hg19) VCF-style: chr20-10653483-G-A.
Other names: short protein forms R85C.
Identifiers: ClinVar variation 1522162 (VCV001522162.8), dbSNP rs2122644586, ClinGen allele CA408243036.

ClinVar aggregate classification (germline): Uncertain significance (1 of 4 stars; one submission).

Conditions:
Alagille syndrome due to a JAG1 point mutation. Also called: Alagille Syndrome 1; JAG1-Related Alagille Syndrome; HEPATIC DUCTULAR HYPOPLASIA, SYNDROMATIC. Identifiers: Orphanet 261619, Orphanet 52, MedGen C1956125, MONDO:0016862, OMIM 118450.

Submission:

Labcorp Genetics (formerly Invitae), Labcorp
Classification: Uncertain significance for Alagille syndrome due to a JAG1 point mutation. Last evaluated: 2022-06-09. Review status: criteria provided, single submitter. Criteria: Invitae Variant Classification Sherloc (09022015). Collection method: clinical testing. Allele origin: germline.
Comment: In summary, the available evidence is currently insufficient to determine the role of this variant in disease. Therefore, it has been classified as a Variant of Uncertain Significance. Algorithms developed to predict the effect of missense changes on protein structure and function (SIFT, PolyPhen-2, Align-GVGD) all suggest that this variant is likely to be disruptive. This variant has not been reported in the literature in individuals affected with JAG1-related conditions. This variant is not present in population databases (gnomAD no frequency). This sequence change replaces arginine, which is basic and polar, with cysteine, which is neutral and slightly polar, at codon 85 of the JAG1 protein (p.Arg85Cys).